The following is an entry in ClinVar:

NM_000407.5(GP1BB):c.576G>A (p.Leu192=)

Genes: GP1BB (glycoprotein Ib platelet subunit beta; plus strand), SEPT5-GP1BB (SEPT5-GP1BB readthrough; plus strand). Cytogenetic location: 22q11.21.
Variant type: single nucleotide variant.
Coding change: c.576G>A on transcript NM_000407.5 (MANE Select); coding-DNA position 576, G replaced by A.
Protein change: p.Leu192=; no amino-acid change (leucine 192 retained).
Molecular consequence: synonymous variant. On other transcripts: non-coding transcript variant (2).
Genome position (GRCh38, 1-based): chr22:19,724,419, G>A. VCF-style: chr22-19724419-G-A. GRCh37 (hg19) VCF-style: chr22-19711942-G-A.
Identifiers: ClinVar variation 734568 (VCV000734568.10), dbSNP rs1378362532, ClinGen allele CA513368981.

ClinVar aggregate classification (germline): Likely benign. Review status: criteria provided, multiple submitters, no conflicts (2 of 4 stars). 3 submissions from 3 submitters: Likely benign (2). 1 of the submissions does not count toward it. Last evaluated 2026-09-01.

Conditions:
GP1BB-related disorder. Also called: GP1BB-related condition.

Allele frequency attached by ClinVar (database versions not stated): gnomAD exomes 0.00004 and 0.00010; gnomAD 0.00001; TOPMed 0.00003.

Submissions (3):

CeGaT Center for Human Genetics Tuebingen
Classification: Likely benign. Last evaluated: 2026-09-01. Review status: criteria provided, single submitter. Criteria: CeGaT Center For Human Genetics Tuebingen Variant Classification Criteria Version 2. Collection method: clinical testing. Allele origin: germline. Affected: yes. Observed: 2 variant alleles.
Comment: GP1BB: BP4, BP7

Labcorp Genetics (formerly Invitae), Labcorp
Classification: Likely benign. Last evaluated: 2019-12-31. Review status: criteria provided, single submitter. Criteria: Invitae Variant Classification Sherloc (09022015). Collection method: clinical testing. Allele origin: germline.

PreventionGenetics, part of Exact Sciences
Classification: Likely benign for GP1BB-related condition. Last evaluated: 2019-11-25. Review status: no assertion criteria provided. Collection method: clinical testing. Allele origin: germline. Not counted in ClinVar's aggregate classification.
Comment: This variant is classified as likely benign based on ACMG/AMP sequence variant interpretation guidelines (Richards et al. 2015 PMID: 25741868, with internal and published modifications).